The following is an entry in ClinVar:

ClinVar aggregate classification (germline): Uncertain significance (1 of 4 stars; one submission).

gnomAD v4.1: 38 of 1,614,022 alleles (0.0024%); highest among the groups gnomAD compares: Non-Finnish European, 0.0031%; no homozygotes.

Submission:

Clinical Genomics Laboratory, Washington University in St. Louis
Classification: Uncertain significance. Last evaluated: 2025-03-11. Review status: criteria provided, single submitter. Criteria: ACMG Guidelines, 2015. Collection method: clinical testing. Allele origin: germline.
Comment: A MAP3K3 c.1125G>T (p.Arg375Ser) variant was identified at a near heterozygous allelic fraction of 51.7%, a frequency which may be consistent with it being of germline origin and, to our knowledge, it has not been reported in the medical literature. This variant is only observed in 38/1,614,022 alleles in the general population (gnomAD v4.1.0). Computational predictors are uncertain as to the impact of this variant on MAP3K3 function. Due to limited information, and based on ACMG/AMP guidelines for variant interpretation (Richards S et al., PMID: 25741868), the clinical significance of this variant is uncertain at this time.

NM_002401.5(MAP3K3):c.1125G>T (p.Arg375Ser)

Gene: MAP3K3 (mitogen-activated protein kinase kinase kinase 3; plus strand). Cytogenetic location: 17q23.3.
Variant type: single nucleotide variant.
Coding change: c.1125G>T on transcript NM_002401.5 (MANE Select); coding-DNA position 1125, G replaced by T.
Protein change: p.Arg375Ser; replaces arginine 375 with serine.
Molecular consequence: missense variant.
Genome position (GRCh38, 1-based): chr17:63,690,325, G>T. VCF-style: chr17-63690325-G-T. GRCh37 (hg19) VCF-style: chr17-61767685-G-T.
Other names: c.1113G>T, p.Arg371Ser (NM_001330431.2); c.1206G>T, p.Arg402Ser (NM_001363768.2); c.1218G>T, p.Arg406Ser (NM_203351.3); short protein forms R371S, R375S, R402S, R406S.
Identifiers: ClinVar variation 4279713 (VCV004279713.1).
Genomic context (GRCh38, chr17:63,690,325, plus strand): 5'-TCCCAGTGCCCCCATCAACTGGCGCCGGGGAAAGCTCCTGGGCCAGGGTGCCTTCGGCAG[G>T]GTCTATTTGTGCTATGACGTGGACACGGGACGTGAACTTGCTTCCAAGCAGGTCCAATTT-3'
Protein context (NP_002392.2, residues 365-385): GKLLGQGAFG[Arg375Ser]VYLCYDVDTG